The following is an entry in ClinVar:

NM_001379081.2(FREM1):c.1105G>A (p.Ala369Thr)

Gene: FREM1 (FRAS1 related extracellular matrix 1; minus strand). Cytogenetic location: 9p22.3.
Variant type: single nucleotide variant.
Coding change: c.1105G>A on transcript NM_001379081.2 (MANE Select); coding-DNA position 1105, G replaced by A.
Protein change: p.Ala369Thr; replaces alanine 369 with threonine.
Molecular consequence: missense variant. On other transcripts: non-coding transcript variant (4).
Genome position (GRCh38, 1-based): chr9:14,851,331, C>T on the plus strand (G>A on the coding strand, the complement: FREM1 is on the minus strand). VCF-style: chr9-14851331-C-T. GRCh37 (hg19) VCF-style: chr9-14851329-C-T.
Other names: c.1132G>A, p.Ala378Thr (NM_001370060.1); c.1105G>A, p.Ala369Thr (NM_001370063.1, NM_001370065.1, NM_144966.7); short protein forms A369T, A378T.
Identifiers: ClinVar variation 2659085 (VCV002659085.24), dbSNP rs755426147, ClinGen allele CA4991370.

ClinVar aggregate classification (germline): Uncertain significance (1 of 4 stars; one submission).

Allele frequency attached by ClinVar (database versions not stated): ExAC 0.00001; gnomAD exomes 0.00001.
gnomAD v4.1: 5 of 1,607,730 alleles (0.00031%); highest among the groups gnomAD compares: South Asian, 0.0022%; no homozygotes.

Submission:

CeGaT Center for Human Genetics Tuebingen
Classification: Uncertain significance. Last evaluated: 2023-12-01. Review status: criteria provided, single submitter. Criteria: CeGaT Center For Human Genetics Tuebingen Variant Classification Criteria Version 2. Collection method: clinical testing. Allele origin: germline. Affected: yes. Observed: 1 variant allele.
Comment: FREM1: PM2